The following is an entry in ClinVar:

ClinVar aggregate classification (germline): Benign. Review status: criteria provided, multiple submitters, no conflicts (2 of 4 stars). 9 submissions from 9 submitters: Benign (8). 1 of the submissions does not count toward it. Last evaluated 2026-01-31.

Conditions:
Hepatoencephalopathy due to combined oxidative phosphorylation defect type 1. Also called: HEPATOENCEPHALOPATHY, EARLY FATAL PROGRESSIVE. Identifiers: Orphanet 137681, MedGen C1836797, MONDO:0012191, OMIM 609060.

Allele frequency attached by ClinVar (database versions not stated): gnomAD exomes 0.00130 and 0.00334; ExAC 0.00411; gnomAD 0.01238 and 0.01346; TOPMed 0.01405; 1000 Genomes Project 0.01418; ESP Exome Variant Server 0.01476; 1000 Genomes Project 30x 0.01483.
gnomAD v4.1: 3,875 of 1,614,110 alleles (0.24%); highest among the groups gnomAD compares: African/African-American, 4.5%; 92 homozygotes.

Submissions (9):

Labcorp Genetics (formerly Invitae), Labcorp
Classification: Benign. Last evaluated: 2026-01-31. Review status: criteria provided, single submitter. Criteria: Invitae Variant Classification Sherloc (09022015). Collection method: clinical testing. Allele origin: germline.

Fulgent Genetics
Classification: Benign for Hepatoencephalopathy due to combined oxidative phosphorylation defect type 1. Last evaluated: 2021-09-01. Review status: criteria provided, single submitter. Criteria: ACMG Guidelines, 2015. Collection method: clinical testing. Allele origin: unknown.

Mayo Clinic Laboratories, Mayo Clinic
Classification: Benign. Last evaluated: 2020-07-14. Review status: criteria provided, single submitter. Criteria: ACMG Guidelines, 2015. Collection method: clinical testing. Allele origin: germline. Observed: 20 variant alleles.

ARUP Laboratories, Molecular Genetics and Genomics, ARUP Laboratories
Classification: Benign for Hepatoencephalopathy due to combined oxidative phosphorylation defect type 1. Last evaluated: 2019-04-05. Review status: criteria provided, single submitter. Criteria: ARUP Molecular Germline Variant Investigation Process. Collection method: clinical testing. Allele origin: germline.

Illumina Laboratory Services, Illumina
Classification: Benign for Hepatoencephalopathy due to combined oxidative phosphorylation defect type 1. Last evaluated: 2018-01-12. Review status: criteria provided, single submitter. Criteria: ICSL Variant Classification Criteria 13 December 2019. Collection method: clinical testing. Allele origin: germline.
Comment: This variant was observed in the ICSL laboratory as part of a predisposition screen in an ostensibly healthy population. It had not been previously curated by ICSL or reported in the Human Gene Mutation Database (HGMD: prior to June 1st, 2018), and was therefore a candidate for classification through an automated scoring system. Utilizing variant allele frequency, disease prevalence and penetrance estimates, and inheritance mode, an automated score was calculated to assess if this variant is too frequent to cause the disease. Based on the score and internal cut-off values, a variant classified as benign is not then subjected to further curation. The score for this variant resulted in a classification of benign for this disease.

Center for Pediatric Genomic Medicine, Children's Mercy Hospital and Clinics
Classification: Benign. Last evaluated: 2015-06-12. Review status: criteria provided, single submitter. Criteria: ACMG Guidelines, 2015. Collection method: clinical testing. Allele origin: germline.

GeneDx
Classification: Benign. Last evaluated: 2013-04-22. Review status: criteria provided, single submitter. Criteria: GeneDx Variant Classification (06012015). Collection method: clinical testing. Allele origin: germline. Affected: yes.
Comment: This variant is considered likely benign or benign based on one or more of the following criteria: it is a conservative change, it occurs at a poorly conserved position in the protein, it is predicted to be benign by multiple in silico algorithms, and/or has population frequency not consistent with disease.

Breakthrough Genomics
Classification: Benign. Review status: criteria provided, single submitter. Criteria: ACMG Guidelines, 2015. Collection method: not provided. Allele origin: germline. Inheritance: Autosomal recessive inheritance. Affected: yes.

Natera, Inc.
Classification: Benign for Combined oxidative phosphorylation deficiency 1. Last evaluated: 2020-09-16. Review status: no assertion criteria provided. Collection method: clinical testing. Allele origin: germline. Not counted in ClinVar's aggregate classification.

NM_024996.7(GFM1):c.476A>G (p.Asn159Ser)

Gene: GFM1 (G elongation factor mitochondrial 1; plus strand). Cytogenetic location: 3q25.32.
Variant type: single nucleotide variant.
Coding change: c.476A>G on transcript NM_024996.7 (MANE Select); coding-DNA position 476, A replaced by G.
Protein change: p.Asn159Ser; replaces asparagine 159 with serine.
Molecular consequence: missense variant. On other transcripts: non-coding transcript variant (3), intron variant (4).
Genome position (GRCh38, 1-based): chr3:158,646,851, A>G. VCF-style: chr3-158646851-A-G. GRCh37 (hg19) VCF-style: chr3-158364640-A-G.
Other names: p.N159S:AAT>AGT; c.476A>G, p.Asn159Ser (NM_001308164.2, NM_001308166.2, NM_001374355.1 and 1 more transcripts); c.251A>G, p.Asn84Ser (NM_001374357.1); c.5+1070A>G (NM_001374359.1, NM_001374360.1, NM_001374361.1); c.234+1070A>G (NM_001374358.1); short protein forms N159S, N84S.
Identifiers: ClinVar variation 137464 (VCV000137464.27), dbSNP rs34297061, ClinGen allele CA291061.
Genomic context (GRCh38, chr3:158,646,851, plus strand): 5'-ATGGTGCAGTCCTTGTTCTCTGTGCTGTTGGAGGGGTACAGTGCCAGACCATGACTGTCA[A>G]TCGTCAGATGAAGCGCTACAACGTTCCGTTTCTAACTTTTATTAACAAATTGGACCGAAT-3'
Protein context (NP_079272.4, residues 149-169): GGVQCQTMTV[Asn159Ser]RQMKRYNVPF